The following is an entry in ClinVar:

ClinVar aggregate classification (germline): Conflicting classifications of pathogenicity. Review status: criteria provided, conflicting classifications (1 of 4 stars). 3 submissions from 3 submitters: Uncertain significance (2); Likely benign (1). Last evaluated 2025-10-28.

Conditions:
Hereditary cancer-predisposing syndrome. Also called: Tumor predisposition; Neoplastic Syndromes, Hereditary; Hereditary neoplastic syndrome; Hereditary Cancer Syndrome. Identifiers: Orphanet 140162, MedGen C0027672, MeSH D009386, MONDO:0015356.
Hereditary breast ovarian cancer syndrome. Also called: BRCA1- and BRCA2-Associated Hereditary Breast and Ovarian Cancer; Hereditary breast and/or ovarian cancer syndrome; Hereditary breast and ovarian cancer syndrome; Hereditary breast and ovarian cancer; Hereditary breast and ovarian cancer syndrome (HBOC); Breast and ovarian cancer. Identifiers: Orphanet 145, MedGen C0677776, MeSH D061325, MONDO:0003582. Disease mechanism: loss of function.

Submissions (3):

Labcorp Genetics (formerly Invitae), Labcorp
Classification: Uncertain significance for Hereditary breast ovarian cancer syndrome. Last evaluated: 2025-10-28. Review status: criteria provided, single submitter. Criteria: Invitae Variant Classification Sherloc (09022015). Collection method: clinical testing. Allele origin: germline.
Comment: This sequence change replaces isoleucine, which is neutral and non-polar, with valine, which is neutral and non-polar, at codon 1874 of the BRCA2 protein (p.Ile1874Val). This variant is not present in population databases (gnomAD no frequency). This variant has not been reported in the literature in individuals affected with BRCA2-related conditions. ClinVar contains an entry for this variant (Variation ID: 1017948). Invitae Evidence Modeling of protein sequence and biophysical properties (such as structural, functional, and spatial information, amino acid conservation, physicochemical variation, residue mobility, and thermodynamic stability) indicates that this missense variant is not expected to disrupt BRCA2 protein function with a negative predictive value of 95%. In summary, the available evidence is currently insufficient to determine the role of this variant in disease. Therefore, it has been classified as a Variant of Uncertain Significance.

University of Washington Department of Laboratory Medicine, University of Washington
Classification: Likely benign for Hereditary cancer-predisposing syndrome. Last evaluated: 2023-03-23. Review status: criteria provided, single submitter. Criteria: Dines et al. (Genet Med. 2020). Collection method: curation. Allele origin: germline.
Comment: Missense variant in a coldspot region where missense variants are very unlikely to be pathogenic (PMID:31911673).

BRCA2 exon 11 coldspot. Reclassification based on statistical prior probability.

Ambry Genetics
Classification: Uncertain significance for Hereditary cancer-predisposing syndrome. Last evaluated: 2015-11-01. Review status: criteria provided, single submitter. Criteria: Ambry Variant Classification Scheme 2023. Collection method: clinical testing. Allele origin: germline.
Comment: The p.I1874V variant (also known as c.5620A>G), located in coding exon 10 of the BRCA2 gene, results from an A to G substitution at nucleotide position 5620. The isoleucine at codon 1874 is replaced by valine, an amino acid with highly similar properties. This variant was not reported in population based cohorts in the following databases: Database of Single Nucleotide Polymorphisms (dbSNP), NHLBI Exome Sequencing Project (ESP), and 1000 Genomes Project. In the ESP, this variant was not observed in 6501 samples (13002 alleles) with coverage at this position. To date, this alteration has been detected with an allele frequency of approximately 0.0004% (greater than 225000 alleles tested) in our clinical cohort. This amino acid position is not well conserved in available vertebrate species, and valine is the reference amino acid in multiple species. In addition, this alteration is predicted to be tolerated by in silico analysis. Since supporting evidence is limited at this time, the clinical significance of p.I1874V remains unclear.

NM_000059.4(BRCA2):c.5620A>G (p.Ile1874Val)

Gene: BRCA2 (BRCA2 DNA repair associated; plus strand). Cytogenetic location: 13q13.1.
Variant type: single nucleotide variant.
Coding change: c.5620A>G on transcript NM_000059.4 (MANE Select); coding-DNA position 5620, A replaced by G.
Protein change: p.Ile1874Val; replaces isoleucine 1874 with valine.
Molecular consequence: missense variant.
Genome position (GRCh38, 1-based): chr13:32,339,975, A>G. VCF-style: chr13-32339975-A-G. GRCh37 (hg19) VCF-style: chr13-32914112-A-G.
Other names: short protein forms I1874V.
Identifiers: ClinVar variation 1017948 (VCV001017948.12), dbSNP rs921917607, ClinGen allele CA247510697.